The following is an entry in ClinVar:

NM_001211.6(BUB1B):c.365T>C (p.Leu122Pro)

Gene: BUB1B (BUB1 mitotic checkpoint serine/threonine kinase B; plus strand). Cytogenetic location: 15q15.1.
Variant type: single nucleotide variant.
Coding change: c.365T>C on transcript NM_001211.6 (MANE Select); coding-DNA position 365, T replaced by C.
Protein change: p.Leu122Pro; replaces leucine 122 with proline.
Molecular consequence: missense variant.
Genome position (GRCh38, 1-based): chr15:40,170,662, T>C. VCF-style: chr15-40170662-T-C. GRCh37 (hg19) VCF-style: chr15-40462863-T-C.
Other names: short protein forms L122P.
Identifiers: ClinVar variation 5033535 (VCV005033535.1).

ClinVar aggregate classification (germline): Uncertain significance (1 of 4 stars; one submission).

Conditions:
Inborn genetic diseases. Identifiers: MedGen C0950123, MeSH D030342.

Submission:

Ambry Genetics
Classification: Uncertain significance for Inborn genetic diseases. Last evaluated: 2026-08-16. Review status: criteria provided, single submitter. Criteria: Ambry Variant Classification Scheme 2023. Collection method: clinical testing. Allele origin: germline.
Comment: The p.L122P variant (also known as c.365T>C), located in coding exon 4 of the BUB1B gene, results from a T to C substitution at nucleotide position 365. The leucine at codon 122 is replaced by proline, an amino acid with similar properties. This amino acid position is conserved. In addition, this alteration is predicted to be deleterious by in silico analysis. Based on the available evidence, the clinical significance of this variant remains unclear.